The following is an entry in ClinVar:

NM_001303052.2(MYT1L):c.505+3A>T

Gene: MYT1L (myelin transcription factor 1 like; minus strand). Cytogenetic location: 2p25.3.
Variant type: single nucleotide variant.
Coding change: c.505+3A>T on transcript NM_001303052.2 (MANE Select); 3 bases into the intron after coding-DNA position 505, A replaced by T.
Molecular consequence: intron variant.
Genome position (GRCh38, 1-based): chr2:1,942,979, T>A on the plus strand (A>T on the coding strand, the complement: MYT1L is on the minus strand). VCF-style: chr2-1942979-T-A. GRCh37 (hg19) VCF-style: chr2-1946751-T-A.
Other names: c.505+3A>T (NM_015025.4, NM_001329844.2, NM_001329847.2 and 6 more transcripts).
Identifiers: ClinVar variation 4812838 (VCV004812838.1).

ClinVar aggregate classification (germline): Uncertain significance (1 of 4 stars; one submission).

Conditions:
Early onset severe obesity. Identifiers: MedGen C4013980.

Submission:

Cambridge Genomics Laboratory, East Genomic Laboratory Hub, NHS Genomic Medicine Service
Classification: Uncertain significance for Severe early-onset obesity. Last evaluated: 2024-08-30. Review status: criteria provided, single submitter. Criteria: ACGS Best Practice Guidelines for Variant Classification in Rare Disease 2020. Collection method: clinical testing. Allele origin: germline. Affected: yes.
Comment: The c.505+3A>T variant is novel (not in any individuals) in gnomAD All. The c.505+3A>T variant is novel (not in any individuals) in 1kG All. (PM2 - Moderate) | The c.505+3A>T variant is predicted to disrupt the existing donor splice site 1bp upstream by 3 of 4 splice site algorithms. The nucleotide c.505+3A>T in MYT1L is predicted conserved by GERP++ and PhyloP across 100 vertebrates. (PP3 - Supporting) | The patient's phenotype or family history is highly specific for a disease with a single genetic etiology. (PP4 - Supporting)